The following is an entry in ClinVar:

NM_001292063.2(OTOG):c.1595G>T (p.Arg532Leu)

Gene: OTOG (otogelin; plus strand). Cytogenetic location: 11p15.1.
Variant type: single nucleotide variant.
Coding change: c.1595G>T on transcript NM_001292063.2 (MANE Select); coding-DNA position 1595, G replaced by T.
Protein change: p.Arg532Leu; replaces arginine 532 with leucine.
Molecular consequence: missense variant.
Genome position (GRCh38, 1-based): chr11:17,561,758, G>T. VCF-style: chr11-17561758-G-T. GRCh37 (hg19) VCF-style: chr11-17583305-G-T.
Other names: c.1631G>T, p.Arg544Leu (NM_001277269.2); short protein forms R532L, R544L.
Identifiers: ClinVar variation 1704120 (VCV001704120.3), dbSNP rs577412897, ClinGen allele CA218498623.

ClinVar aggregate classification (germline): Uncertain significance (1 of 4 stars; one submission).

Allele frequency attached by ClinVar (database versions not stated): gnomAD 0.00001; TOPMed 0.00002; 1000 Genomes Project 30x 0.00016; 1000 Genomes Project 0.00040.
gnomAD v4.1: 8 of 1,550,488 alleles (0.00052%); highest among the groups gnomAD compares: Admixed American, 0.016%; no homozygotes.

Submission:

GeneDx
Classification: Uncertain significance. Last evaluated: 2024-12-10. Review status: criteria provided, single submitter. Criteria: GeneDx Variant Classification Process June 2021. Collection method: clinical testing. Allele origin: germline. Affected: yes.
Comment: In silico analysis supports that this missense variant has a deleterious effect on protein structure/function; Has not been previously published as pathogenic or benign to our knowledge